The following is an entry in ClinVar:

ClinVar aggregate classification (germline): Pathogenic. Review status: criteria provided, multiple submitters, no conflicts (2 of 4 stars). 2 submissions from 2 submitters: Pathogenic (2). Last evaluated 2025-02-14.

Conditions:
Familial thoracic aortic aneurysm and aortic dissection (TAAD). Also called: Thoracic aortic aneurysms and dissections. Identifiers: Orphanet 91387, MedGen C4707243, MONDO:0019625.
Marfan syndrome (MFS). Also called: Marfan syndrome, classic; Marfan syndrome type 1; Marfan's syndrome; MARFAN SYNDROME, TYPE I; FBN1-Related Marfan Syndrome. Identifiers: Orphanet 284963, Orphanet 558, MedGen C0024796, MONDO:0007947, OMIM 154700.

Submissions (2):

Ambry Genetics
Classification: Pathogenic for Familial thoracic aortic aneurysm and aortic dissection. Last evaluated: 2025-02-14. Review status: criteria provided, single submitter. Criteria: Ambry Variant Classification Scheme 2023. Collection method: clinical testing. Allele origin: germline.
Comment: The p.Q198* pathogenic mutation (also known as c.592C>T), located in coding exon 6 of the FBN1 gene, results from a C to T substitution at nucleotide position 592. This changes the amino acid from a glutamine to a stop codon within coding exon 6. This variant is considered to be rare based on population cohorts in the Genome Aggregation Database (gnomAD). This alteration is expected to result in loss of function by premature protein truncation or nonsense-mediated mRNA decay. As such, this alteration is interpreted as a disease-causing mutation.

Labcorp Genetics (formerly Invitae), Labcorp
Classification: Pathogenic for Marfan syndrome; Familial thoracic aortic aneurysm and aortic dissection. Last evaluated: 2023-09-23. Review status: criteria provided, single submitter. Criteria: Invitae Variant Classification Sherloc (09022015). Collection method: clinical testing. Allele origin: germline.
Comment: This sequence change creates a premature translational stop signal (p.Gln198*) in the FBN1 gene. It is expected to result in an absent or disrupted protein product. Loss-of-function variants in FBN1 are known to be pathogenic (PMID: 17657824, 19293843). This variant is not present in population databases (gnomAD no frequency). This variant has not been reported in the literature in individuals affected with FBN1-related conditions. ClinVar contains an entry for this variant (Variation ID: 406287). For these reasons, this variant has been classified as Pathogenic.

Literature cited by the submitters: PubMed 17657824 (cited by Labcorp Genetics (formerly Invitae), Labcorp); PubMed 19293843 (cited by Labcorp Genetics (formerly Invitae), Labcorp).

NM_000138.5(FBN1):c.592C>T (p.Gln198Ter)

Gene: FBN1 (fibrillin 1; minus strand). Cytogenetic location: 15q21.1.
Variant type: single nucleotide variant.
Coding change: c.592C>T on transcript NM_000138.5 (MANE Select); coding-DNA position 592, C replaced by T.
Protein change: p.Gln198Ter; replaces glutamine 198 with a stop codon.
Molecular consequence: nonsense.
Genome position (GRCh38, 1-based): chr15:48,537,755, G>A on the plus strand (C>T on the coding strand, the complement: FBN1 is on the minus strand). VCF-style: chr15-48537755-G-A. GRCh37 (hg19) VCF-style: chr15-48829952-G-A.
Other names: short protein forms Q198*.
Identifiers: ClinVar variation 406287 (VCV000406287.10), dbSNP rs1060501035, ClinGen allele CA16614457.
Genomic context (GRCh38, chr15:48,537,755, plus strand): 5'-CCCAGGCTCGGCCGACTGTGGCACAGCAGAGCGTTTTTGTGCAGACAATCCCGCTGAGTT[G>A]TCCCTGGCACATCTGGTTGCTGATCACAGTAAAACATGGGCCTGTCCTGTAATCTGAAAA-3'